The following is an entry in ClinVar:

ClinVar aggregate classification (germline): Uncertain significance (1 of 4 stars; one submission).

Allele frequency attached by ClinVar (database versions not stated): TOPMed below 0.00001.
gnomAD v4.1: 1 of 1,614,008 alleles (0.000062%); highest among the groups gnomAD compares: Non-Finnish European, 0.000085%; no homozygotes.

Submission:

Labcorp Genetics (formerly Invitae), Labcorp
Classification: Uncertain significance. Last evaluated: 2025-03-17. Review status: criteria provided, single submitter. Criteria: Invitae Variant Classification Sherloc (09022015). Collection method: clinical testing. Allele origin: germline.
Comment: This sequence change replaces aspartic acid, which is acidic and polar, with glycine, which is neutral and non-polar, at codon 2462 of the VCAN protein (p.Asp2462Gly). This variant is not present in population databases (gnomAD no frequency). This variant has not been reported in the literature in individuals affected with VCAN-related conditions. ClinVar contains an entry for this variant (Variation ID: 1000327). An algorithm developed to predict the effect of missense changes on protein structure and function (PolyPhen-2) suggests that this variant is likely to be tolerated. In summary, the available evidence is currently insufficient to determine the role of this variant in disease. Therefore, it has been classified as a Variant of Uncertain Significance.

NM_004385.5(VCAN):c.7385A>G (p.Asp2462Gly)

Genes: VCAN-AS1 (VCAN antisense RNA 1; minus strand), VCAN (versican; plus strand). Cytogenetic location: 5q14.3.
Variant type: single nucleotide variant.
Coding change: c.7385A>G on transcript NM_004385.5 (MANE Select); coding-DNA position 7385, A replaced by G.
Protein change: p.Asp2462Gly; replaces aspartic acid 2462 with glycine.
Molecular consequence: missense variant. On other transcripts: intron variant (2).
Genome position (GRCh38, 1-based): chr5:83,540,388, A>G. VCF-style: chr5-83540388-A-G. GRCh37 (hg19) VCF-style: chr5-82836207-A-G.
Other names: c.4424A>G, p.Asp1475Gly (NM_001164097.2); c.4004-5149A>G (NM_001164098.2); c.1043-5149A>G (NM_001126336.3); short protein forms D1475G, D2462G.
Identifiers: ClinVar variation 1000327 (VCV001000327.8), dbSNP rs373987221, ClinGen allele CA360314627.